The following is an entry in ClinVar:

ClinVar aggregate classification (germline): Uncertain significance (1 of 4 stars; one submission).

Conditions:
Primary dilated cardiomyopathy (DCM). Also called: Dilated Cardiomyopathy. Identifiers: Orphanet 217604, MedGen C0007193, MeSH D002311, MONDO:0005021, HP:0001644. Inheritance: Various modes of inheritance.

gnomAD v4.1: 3 of 1,614,196 alleles (0.00019%); highest among the groups gnomAD compares: South Asian, 0.0011%; no homozygotes.

Submission:

Labcorp Genetics (formerly Invitae), Labcorp
Classification: Uncertain significance for Primary dilated cardiomyopathy. Last evaluated: 2025-10-30. Review status: criteria provided, single submitter. Criteria: Invitae Variant Classification Sherloc (09022015). Collection method: clinical testing. Allele origin: germline.
Comment: This sequence change replaces glutamic acid, which is acidic and polar, with lysine, which is basic and polar, at codon 12 of the FHL2 protein (p.Glu12Lys). This variant is present in population databases (rs777214115, gnomAD 0.0009%). This variant has not been reported in the literature in individuals affected with FHL2-related conditions. An algorithm developed to predict the effect of missense changes on protein structure and function (PolyPhen-2) suggests that this variant is likely to be tolerated. In summary, the available evidence is currently insufficient to determine the role of this variant in disease. Therefore, it has been classified as a Variant of Uncertain Significance.

NM_001318895.3(FHL2):c.34G>A (p.Glu12Lys)

Gene: FHL2 (four and a half LIM domains 2; minus strand). Cytogenetic location: 2q12.2.
Variant type: single nucleotide variant.
Coding change: c.34G>A on transcript NM_001318895.3 (MANE Select); coding-DNA position 34, G replaced by A.
Protein change: p.Glu12Lys; replaces glutamic acid 12 with lysine.
Molecular consequence: missense variant. On other transcripts: 5 prime UTR variant (3).
Genome position (GRCh38, 1-based): chr2:105,386,483, C>T on the plus strand (G>A on the coding strand, the complement: FHL2 is on the minus strand). VCF-style: chr2-105386483-C-T. GRCh37 (hg19) VCF-style: chr2-106002940-C-T.
Other names: c.34G>A, p.Glu12Lys (NM_001039492.3, NM_001318894.1, NM_001318896.2 and 4 more transcripts); c.-134G>A (NM_001318897.2, NM_001318898.2); c.-413G>A (NM_001318899.2); short protein forms E12K.
Identifiers: ClinVar variation 4733544 (VCV004733544.1).